The following is an entry in ClinVar:

NC_000004.12:g.(?_88007714)_(88075714_?)del

Genes: PKD2 (polycystin 2, transient receptor potential cation channel; plus strand), LOC123477784 (Sharpr-MPRA regulatory region 5607; plus strand), LOC129992813 (ATAC-STARR-seq lymphoblastoid silent region 15559; plus strand), LOC129992814 (ATAC-STARR-seq lymphoblastoid silent region 15560; plus strand). Cytogenetic location: 4q22.1.
Variant type: Deletion.
Identifiers: ClinVar variation 584210 (VCV000584210.4).

ClinVar aggregate classification (germline): Pathogenic (1 of 4 stars; one submission).

Conditions:
Autosomal dominant polycystic kidney disease. Identifiers: Orphanet 730, MedGen C0085413, MONDO:0004691.

Submission:

Labcorp Genetics (formerly Invitae), Labcorp
Classification: Pathogenic for Autosomal dominant polycystic kidney disease. Last evaluated: 2019-07-24. Review status: criteria provided, single submitter. Criteria: Invitae Variant Classification Sherloc (09022015). Collection method: clinical testing. Allele origin: germline.
Comment: For these reasons, this variant has been classified as Pathogenic. Loss-of-function variants in PKD2 are known to be pathogenic (PMID: 17582161, 22863349). This variant has been observed in an individual affected with¬†autosomal dominant polycystic kidney disease (ADPKD)(PMID:¬†27499327). A gross deletion of the genomic region encompassing the full coding sequence of the PKD2 gene has been identified. The boundaries of this event are unknown as the deletion extends beyond the assayed region for this gene and therefore may encompass additional genes.

Literature cited by the submitters: PubMed 17582161; PubMed 22863349.